The following is an entry in ClinVar:

NM_001031715.3(IQCH):c.387+24827C>T

Gene: IQCH (IQ motif containing H; plus strand). Cytogenetic location: 15q23.
Variant type: single nucleotide variant.
Coding change: c.387+24827C>T on transcript NM_001031715.3 (MANE Select); 24827 bases into the intron after coding-DNA position 387, C replaced by T.
Molecular consequence: intron variant. On other transcripts: nonsense (1).
Genome position (GRCh38, 1-based): chr15:67,304,339, C>T. VCF-style: chr15-67304339-C-T. GRCh37 (hg19) VCF-style: chr15-67596677-C-T.
Other names: c.388C>T, p.Arg130Ter (NM_022784.3); c.-12+24827C>T (NM_001322475.2); c.-342-39724C>T (NM_001284348.2); c.-11-39724C>T (NM_001322470.2, NM_001322473.2, NM_001322474.2 and 1 more transcripts); c.-120+42945C>T (NM_001284347.2, NM_001322471.2, NM_001322472.2); short protein forms R130*.
Identifiers: ClinVar variation 3905043 (VCV003905043.10).
Genomic context (GRCh38, chr15:67,304,339, plus strand): 5'-AAATGTTAGTAAGCATTTTTGTTCATCCAGCATGAAAGTTTCATTGTTTCTTTGTTTCAG[C>T]GAAAGATAGGGTTGAATGTAAAAATCTTGCAGGATCCTGAAAACATCCACCACAGAGCTG-3'

ClinVar aggregate classification (germline): Benign (1 of 4 stars; one submission).

gnomAD v4.1: 835 of 1,487,844 alleles (0.056%); highest among the groups gnomAD compares: Admixed American, 1.6%; 17 homozygotes.

Submission:

CeGaT Center for Human Genetics Tuebingen
Classification: Benign. Last evaluated: 2025-04-01. Review status: criteria provided, single submitter. Criteria: CeGaT Center For Human Genetics Tuebingen Variant Classification Criteria Version 2. Collection method: clinical testing. Allele origin: germline. Affected: yes. Observed: 1 variant allele.
Comment: IQCH: BS1, BS2